The following is an entry in ClinVar:

NM_018975.4(TERF2IP):c.1097A>T (p.Asp366Val)

Gene: TERF2IP (TERF2 interacting protein; plus strand). Cytogenetic location: 16q23.1.
Variant type: single nucleotide variant.
Coding change: c.1097A>T on transcript NM_018975.4 (MANE Select); coding-DNA position 1097, A replaced by T.
Protein change: p.Asp366Val; replaces aspartic acid 366 with valine.
Molecular consequence: missense variant. On other transcripts: non-coding transcript variant (1).
Genome position (GRCh38, 1-based): chr16:75,656,508, A>T. VCF-style: chr16-75656508-A-T. GRCh37 (hg19) VCF-style: chr16-75690406-A-T.
Other names: short protein forms D366V.
Identifiers: ClinVar variation 1790902 (VCV001790902.2), dbSNP rs746068598, ClinGen allele CA396820254.
Genomic context (GRCh38, chr16:75,656,508, plus strand): 5'-CTTCCGCCTTCTTAGCGTCTGGTCAGAGAGCTGATGGATATCCCATTTGGTCCCGACAAG[A>T]TGACATAGATTTGCAAAAAGATGATGAGGATACCAGAGAGGCATTGGTCAAAAAATTTGG-3'
Protein context (NP_061848.2, residues 356-376): ADGYPIWSRQ[Asp366Val]DIDLQKDDED

ClinVar aggregate classification (germline): Uncertain significance (1 of 4 stars; one submission).

Allele frequency attached by ClinVar (database versions not stated): TOPMed below 0.00001; gnomAD 0.00001.

Submission:

Ambry Genetics
Classification: Uncertain significance. Last evaluated: 2023-10-19. Review status: criteria provided, single submitter. Criteria: Ambry Variant Classification Scheme 2023. Collection method: clinical testing. Allele origin: germline.
Comment: The p.D366V variant (also known as c.1097A>T), located in coding exon 3 of the TERF2IP gene, results from an A to T substitution at nucleotide position 1097. The aspartic acid at codon 366 is replaced by valine, an amino acid with highly dissimilar properties. This amino acid position is conserved. In addition, this alteration is predicted to be deleterious by in silico analysis. Since supporting evidence is limited at this time, the clinical significance of this alteration remains unclear.